The following is an entry in ClinVar:

ClinVar aggregate classification (germline): Uncertain significance (1 of 4 stars; one submission).

Conditions:
Wilms tumor 1 (WT1). Also called: Wilms tumor, somatic. Identifiers: Orphanet 654, MedGen CN033288, MONDO:0008679, OMIM 194070.

Submission:

Labcorp Genetics (formerly Invitae), Labcorp
Classification: Uncertain significance for Wilms tumor 1. Last evaluated: 2023-12-06. Review status: criteria provided, single submitter. Criteria: Invitae Variant Classification Sherloc (09022015). Collection method: clinical testing. Allele origin: germline.
Comment: This sequence change falls in intron 2 of the GPC3 gene. It does not directly change the encoded amino acid sequence of the GPC3 protein. It affects a nucleotide within the consensus splice site. This variant is not present in population databases (gnomAD no frequency). This variant has not been reported in the literature in individuals affected with GPC3-related conditions. ClinVar contains an entry for this variant (Variation ID: 1021576). Variants that disrupt the consensus splice site are a relatively common cause of aberrant splicing (PMID: 17576681, 9536098). Algorithms developed to predict the effect of sequence changes on RNA splicing suggest that this variant may disrupt the consensus splice site. In summary, the available evidence is currently insufficient to determine the role of this variant in disease. Therefore, it has been classified as a Variant of Uncertain Significance.

Literature cited by the submitters: PubMed 17576681; PubMed 9536098.

NM_004484.4(GPC3):c.337+5G>A

Gene: GPC3 (glypican 3; minus strand). Cytogenetic location: Xq26.2.
Variant type: single nucleotide variant.
Coding change: c.337+5G>A on transcript NM_004484.4 (MANE Select); 5 bases into the intron after coding-DNA position 337, G replaced by A.
Molecular consequence: intron variant.
Genome position (GRCh38, 1-based): chrX:133,953,045, C>T on the plus strand (G>A on the coding strand, the complement: GPC3 is on the minus strand). VCF-style: chrX-133953045-C-T. GRCh37 (hg19) VCF-style: chrX-133087072-C-T.
Other names: c.175+32230G>A (NM_001164619.2); c.289+53G>A (NM_001164618.2); c.337+5G>A (NM_001164617.2).
Identifiers: ClinVar variation 1021576 (VCV001021576.9), dbSNP rs2076399944, ClinGen allele CA2459564432.